The following is an entry in ClinVar:

ClinVar aggregate classification (germline): Uncertain significance (1 of 4 stars; one submission).

Submission:

GeneDx
Classification: Uncertain significance. Last evaluated: 2026-02-25. Review status: criteria provided, single submitter. Criteria: GeneDx Variant Classification Process June 2021. Collection method: clinical testing. Allele origin: germline.
Comment: Has not been previously published as pathogenic or benign to our knowledge; Reported using an alternate transcript of the gene; In silico analysis does not support a benign or deleterious effect of this variant on protein structure/function; Not observed at significant frequency in large population cohorts (gnomAD).

NM_001368894.2(PAX6):c.1074+30C>G

Gene: PAX6 (paired box 6; minus strand). Cytogenetic location: 11p13.
Variant type: single nucleotide variant.
Coding change: c.1074+30C>G on transcript NM_001368894.2 (MANE Select); 30 bases into the intron after coding-DNA position 1074, C replaced by G.
Molecular consequence: intron variant. On other transcripts: missense variant (1).
Genome position (GRCh38, 1-based): chr11:31,793,408, G>C on the plus strand (C>G on the coding strand, the complement: PAX6 is on the minus strand). VCF-style: chr11-31793408-G-C. GRCh37 (hg19) VCF-style: chr11-31814956-G-C.
Other names: c.1062C>G, p.Asn354Lys (NM_001310159.1); c.1032+30C>G (NM_001127612.3, NM_001368890.2, NM_001368888.2 and 9 more transcripts); c.873+30C>G (NM_001368921.2, NM_001368923.2, NM_001368926.2 and 4 more transcripts); c.1074+30C>G (NM_001258462.3, NM_001310158.2, NM_001258463.2 and 6 more transcripts); c.1149+30C>G (NM_001368919.2, NM_001368918.2); c.1275+30C>G (NM_001368910.2); c.624+30C>G (NM_001368909.2, NM_001368904.2, NM_001368905.2 and 11 more transcripts); c.1077+30C>G (NM_001368911.2); and 3 more; short protein forms N354K.
Identifiers: ClinVar variation 5009604 (VCV005009604.1).
Genomic context (GRCh38, chr11:31,793,408, plus strand): 5'-GCAGACACAGCCAATGAGGTCCGCAGGCCCTGAGCCACTCCTCACTTCTCTGGGGCCTGG[G>C]TTATGCAGGCCACCACCAGCCGCACTTACTTGCATAGGCAGGTTATTTGCCATGGTGAAG-3'